The following is an entry in ClinVar:

ClinVar aggregate classification (germline): Pathogenic (1 of 4 stars; one submission).

Conditions:
Tay-Sachs disease (TSD). Also called: GM2 gangliosidosis, type 1; Hexosaminidase alpha-subunit deficiency (variant B); Sphingolipidosis, Tay-Sachs; HEXA Disorders; HEXA DEFICIENCY; Hexosaminidase A Deficiency. Identifiers: Orphanet 845, MedGen C0039373, MONDO:0010100, OMIM 272800.

Submission:

Labcorp Genetics (formerly Invitae), Labcorp
Classification: Pathogenic for Tay-Sachs disease. Last evaluated: 2019-01-18. Review status: criteria provided, single submitter. Criteria: Invitae Variant Classification Sherloc (09022015). Collection method: clinical testing. Allele origin: germline.
Comment: This variant is a gross deletion of the genomic region encompassing exon 1 of the HEXA gene, which includes the initiator codon. The 5' end of this event is unknown as it extends beyond the assayed region for this gene and therefore may encompass additional genes. The 3' boundary is likely confined to intron 1 of the HEXA gene. This is expected to result in an absent or disrupted protein product. A 7.6kb deletion of the promoter and exon 1 has been reported in several French Canadian individuals affected with Tay-Sachs disease (PMID: 3754980). Loss-of-function variants in HEXA are known to be pathogenic (PMID: 1833974, 8490625). For these reasons, this variant has been classified as Pathogenic.

Literature cited by the submitters: PubMed 3754980.

NC_000015.10:g.(?_72374460)_(72375992_?)del

Gene: HEXA (hexosaminidase subunit alpha; minus strand). Cytogenetic location: 15q23.
Variant type: Deletion.
Identifiers: ClinVar variation 833123 (VCV000833123.1).